The following is an entry in ClinVar:

ClinVar aggregate classification (germline): Uncertain significance (1 of 4 stars; one submission).

gnomAD v4.1: 9 of 1,614,154 alleles (0.00056%); highest among the groups gnomAD compares: Non-Finnish European, 0.00076%; no homozygotes.

Submission:

Women's Health and Genetics/Laboratory Corporation of America, LabCorp
Classification: Uncertain significance. Last evaluated: 2026-04-27. Review status: criteria provided, single submitter. Criteria: LabCorp Variant Classification Summary - May 2015. Collection method: clinical testing. Allele origin: germline.
Comment: Variant summary: KMT2C c.13480A>G (p.Met4494Val) results in a conservative amino acid change in the encoded protein sequence. Algorithms developed to predict the effect of missense changes on protein structure and function are either unavailable or do not agree on the potential impact of this missense change. The variant was absent in 251062 control chromosomes. The available data on variant occurrences in the general population are insufficient to allow any conclusion about variant significance. To our knowledge, no occurrence of c.13480A>G in individuals affected with KMT2C-related conditions and no experimental evidence demonstrating its impact on protein function have been reported. No submitters have cited clinical-significance assessments for this variant to ClinVar. Based on the evidence outlined above, the variant was classified as uncertain significance.

NM_170606.3(KMT2C):c.13480A>G (p.Met4494Val)

Gene: KMT2C (lysine methyltransferase 2C; minus strand). Cytogenetic location: 7q36.1.
Variant type: single nucleotide variant.
Coding change: c.13480A>G on transcript NM_170606.3 (MANE Select); coding-DNA position 13480, A replaced by G.
Protein change: p.Met4494Val; replaces methionine 4494 with valine.
Molecular consequence: missense variant.
Genome position (GRCh38, 1-based): chr7:152,148,447, T>C on the plus strand (A>G on the coding strand, the complement: KMT2C is on the minus strand). VCF-style: chr7-152148447-T-C. GRCh37 (hg19) VCF-style: chr7-151845532-T-C.
Other names: short protein forms M4494V.
Identifiers: ClinVar variation 4849013 (VCV004849013.1).